The following is an entry in ClinVar:

NM_001039141.3(TRIOBP):c.4508C>G (p.Pro1503Arg)

Gene: TRIOBP (TRIO and F-actin binding protein; plus strand). Cytogenetic location: 22q13.1.
Variant type: single nucleotide variant.
Coding change: c.4508C>G on transcript NM_001039141.3 (MANE Select); coding-DNA position 4508, C replaced by G.
Protein change: p.Pro1503Arg; replaces proline 1503 with arginine.
Molecular consequence: missense variant.
Genome position (GRCh38, 1-based): chr22:37,734,844, C>G. VCF-style: chr22-37734844-C-G. GRCh37 (hg19) VCF-style: chr22-38130851-C-G.
Other names: short protein forms P1503R.
Identifiers: ClinVar variation 4976531 (VCV004976531.2).

ClinVar aggregate classification (germline): Uncertain significance. Review status: criteria provided, multiple submitters, no conflicts (2 of 4 stars). 2 submissions from 2 submitters: Uncertain significance (2). Last evaluated 2026-02-12.

Conditions:
TRIOBP-related disorder. Also called: TRIOBP-related condition.

gnomAD v4.1: 52 of 1,612,762 alleles (0.0032%); highest among the groups gnomAD compares: South Asian, 0.041%; 1 homozygote.

Submissions (2):

GeneDx
Classification: Uncertain significance. Last evaluated: 2026-02-12. Review status: criteria provided, single submitter. Criteria: GeneDx Variant Classification Process June 2021. Collection method: clinical testing. Allele origin: germline.
Comment: In silico analysis suggests that this missense variant does not alter protein structure/function; Has not been previously published as pathogenic or benign to our knowledge

PreventionGenetics, part of Exact Sciences
Classification: Uncertain significance for TRIOBP-related condition. Last evaluated: 2025-11-01. Review status: criteria provided, single submitter. Criteria: ACMG Guidelines, 2015. Collection method: clinical testing. Allele origin: germline.
Comment: The TRIOBP c.4508C>G variant is predicted to result in the amino acid substitution p.Pro1503Arg. To our knowledge, this variant has not been reported in the literature. This variant is reported in 0.052% of alleles in individuals of South Asian descent in gnomAD. Although we suspect that this variant may be benign, at this time, the clinical significance of this variant is uncertain due to the absence of conclusive functional and genetic evidence.